The following is an entry in ClinVar:

NM_001145809.2(MYH14):c.5473G>C (p.Glu1825Gln)

Gene: MYH14 (myosin heavy chain 14; plus strand). Cytogenetic location: 19q13.33.
Variant type: single nucleotide variant.
Coding change: c.5473G>C on transcript NM_001145809.2 (MANE Select); coding-DNA position 5473, G replaced by C.
Protein change: p.Glu1825Gln; replaces glutamic acid 1825 with glutamine.
Molecular consequence: missense variant.
Genome position (GRCh38, 1-based): chr19:50,301,664, G>C. VCF-style: chr19-50301664-G-C. GRCh37 (hg19) VCF-style: chr19-50804921-G-C.
Other names: c.5374G>C, p.Glu1792Gln (NM_001077186.2); c.5350G>C, p.Glu1784Gln (NM_024729.4); short protein forms E1825Q, E1784Q, E1792Q.
Identifiers: ClinVar variation 2077473 (VCV002077473.5), dbSNP rs773518788, ClinGen allele CA9593830.

ClinVar aggregate classification (germline): Uncertain significance. Review status: criteria provided, multiple submitters, no conflicts (2 of 4 stars). 2 submissions from 2 submitters: Uncertain significance (2). Last evaluated 2022-06-24.

Conditions:
Inborn genetic diseases. Identifiers: MedGen C0950123, MeSH D030342.

Allele frequency attached by ClinVar (database versions not stated): ExAC 0.00001; gnomAD exomes 0.00001.
gnomAD v4.1: 3 of 1,612,146 alleles (0.00019%); highest among the groups gnomAD compares: Non-Finnish European, 0.00025%; no homozygotes.

Submissions (2):

Ambry Genetics
Classification: Uncertain significance for Inborn genetic diseases. Last evaluated: 2022-06-24. Review status: criteria provided, single submitter. Criteria: Ambry Variant Classification Scheme 2023. Collection method: clinical testing. Allele origin: germline.

Labcorp Genetics (formerly Invitae), Labcorp
Classification: Uncertain significance. Last evaluated: 2022-02-21. Review status: criteria provided, single submitter. Criteria: Invitae Variant Classification Sherloc (09022015). Collection method: clinical testing. Allele origin: germline.
Comment: In summary, the available evidence is currently insufficient to determine the role of this variant in disease. Therefore, it has been classified as a Variant of Uncertain Significance. Algorithms developed to predict the effect of missense changes on protein structure and function (SIFT, PolyPhen-2, Align-GVGD) all suggest that this variant is likely to be disruptive. This variant has not been reported in the literature in individuals affected with MYH14-related conditions. This variant is present in population databases (rs773518788, gnomAD 0.002%). This sequence change replaces glutamic acid, which is acidic and polar, with glutamine, which is neutral and polar, at codon 1784 of the MYH14 protein (p.Glu1784Gln).